The following is an entry in ClinVar:

NM_001004334.4(GPR179):c.6340G>A (p.Val2114Met)

Gene: GPR179 (G protein-coupled receptor 179; minus strand). Cytogenetic location: 17q12.
Variant type: single nucleotide variant.
Coding change: c.6340G>A on transcript NM_001004334.4 (MANE Select); coding-DNA position 6340, G replaced by A.
Protein change: p.Val2114Met; replaces valine 2114 with methionine.
Molecular consequence: missense variant.
Genome position (GRCh38, 1-based): chr17:38,327,229, C>T on the plus strand (G>A on the coding strand, the complement: GPR179 is on the minus strand). VCF-style: chr17-38327229-C-T. GRCh37 (hg19) VCF-style: chr17-36483112-C-T.
Other names: c.6340G>A (NM_001004334.2); short protein forms V2114M.
Identifiers: ClinVar variation 1421794 (VCV001421794.6), dbSNP rs370179227, ClinGen allele CA290103017.

ClinVar aggregate classification (germline): Uncertain significance. Review status: criteria provided, multiple submitters, no conflicts (2 of 4 stars). 2 submissions from 2 submitters: Uncertain significance (2). Last evaluated 2022-11-01.

Conditions:
Inborn genetic diseases. Identifiers: MedGen C0950123, MeSH D030342.

Allele frequency attached by ClinVar (database versions not stated): TOPMed 0.00003; gnomAD 0.00002; gnomAD exomes 0.00002; ESP Exome Variant Server 0.00008; ExAC 0.00002.
gnomAD v4.1: 73 of 1,614,146 alleles (0.0045%); highest among the groups gnomAD compares: Non-Finnish European, 0.0061%; no homozygotes.

Submissions (2):

Labcorp Genetics (formerly Invitae), Labcorp
Classification: Uncertain significance. Last evaluated: 2022-11-01. Review status: criteria provided, single submitter. Criteria: Invitae Variant Classification Sherloc (09022015). Collection method: clinical testing. Allele origin: germline.
Comment: This variant is present in population databases (rs370179227, gnomAD 0.004%). This sequence change replaces valine, which is neutral and non-polar, with methionine, which is neutral and non-polar, at codon 2114 of the GPR179 protein (p.Val2114Met). This variant has not been reported in the literature in individuals affected with GPR179-related conditions. ClinVar contains an entry for this variant (Variation ID: 1421794). Algorithms developed to predict the effect of missense changes on protein structure and function output the following: SIFT: "Tolerated"; PolyPhen-2: "Benign"; Align-GVGD: "Class C0". The methionine amino acid residue is found in multiple mammalian species, which suggests that this missense change does not adversely affect protein function. In summary, the available evidence is currently insufficient to determine the role of this variant in disease. Therefore, it has been classified as a Variant of Uncertain Significance.

Ambry Genetics
Classification: Uncertain significance for Inborn genetic diseases. Last evaluated: 2022-08-30. Review status: criteria provided, single submitter. Criteria: Ambry Variant Classification Scheme 2023. Collection method: clinical testing. Allele origin: germline.